The following is an entry in ClinVar:

ClinVar aggregate classification (germline): Likely benign (1 of 4 stars; one submission).

gnomAD v4.1: 3 of 1,305,518 alleles (0.00023%); highest among the groups gnomAD compares: South Asian, 0.0047%; no homozygotes.

Submission:

CeGaT Center for Human Genetics Tuebingen
Classification: Likely benign. Last evaluated: 2026-04-01. Review status: criteria provided, single submitter. Criteria: CeGaT Center For Human Genetics Tuebingen Variant Classification Criteria Version 2. Collection method: clinical testing. Allele origin: germline. Affected: yes. Observed: 1 variant allele.
Comment: IBA57: BP4, BP7

NM_001010867.4(IBA57):c.18G>A (p.Leu6=)

Gene: IBA57 (iron-sulfur cluster assembly factor IBA57; plus strand). Cytogenetic location: 1q42.13.
Variant type: single nucleotide variant.
Coding change: c.18G>A on transcript NM_001010867.4 (MANE Select); coding-DNA position 18, G replaced by A.
Protein change: p.Leu6=; no amino-acid change (leucine 6 retained).
Molecular consequence: synonymous variant.
Genome position (GRCh38, 1-based): chr1:228,165,834, G>A. VCF-style: chr1-228165834-G-A. GRCh37 (hg19) VCF-style: chr1-228353535-G-A.
Identifiers: ClinVar variation 4874202 (VCV004874202.2).
Genomic context (GRCh38, chr1:228,165,834, plus strand): 5'-CCCGCTTCCTTGGGCCCTTCCCGCTGCCCCACTCTTGTCCAAGATGGCGACCGCGGCGCT[G>A]CTTCGAGGCGCCACTCCGGGGCGCGGCGGCCCGGTCTGGCGCTGGCGGCTGCGCGCGGCC-3'
Protein context (NP_001010867.1, residues 1-16): MATAA[Leu6=]LRGATPGRGG